The following is an entry in ClinVar:

NM_001127671.2(LIFR):c.2155_2156delinsG (p.Ile719fs)

Gene: LIFR (LIF receptor subunit alpha; minus strand). Cytogenetic location: 5p13.1.
Variant type: Indel.
Coding change: c.2155_2156delinsG on transcript NM_001127671.2 (MANE Select); coding-DNA positions 2155 to 2156, AT replaced by G.
Protein change: p.Ile719fs; shifts the reading frame from isoleucine 719.
Molecular consequence: frameshift variant.
Genome position (GRCh38, 1-based): chr5:38,490,201-38,490,202, AT replaced by C on the plus strand (AT replaced by G on the coding strand, the reverse complement: LIFR is on the minus strand). VCF-style: chr5-38490201-AT-C. GRCh37 (hg19) VCF-style: chr5-38490303-AT-C.
Other names: c.2155_2156delinsG, p.Ile719fs (NM_001364297.2, NM_001364298.2, NM_002310.6); short protein forms I719fs.
Identifiers: ClinVar variation 4815021 (VCV004815021.1).

ClinVar aggregate classification (germline): Likely pathogenic (1 of 4 stars; one submission).

Conditions:
Stuve-Wiedemann syndrome (STWS). Also called: Stüve-Wiedemann syndrome. Identifiers: Orphanet 3206, MedGen C0796176, MONDO:0031280.

Submission:

Natera, Inc.
Classification: Likely pathogenic for Stuve-Wiedemann syndrome. Last evaluated: 2025-09-10. Review status: criteria provided, single submitter. Criteria: Natera Variant Classification Schema (03/2026). Collection method: clinical testing. Allele origin: germline.
Comment: The c.2155_2156delinsG variant in LIFR is a frameshift variant predicted to shift the reading frame beginning at codon 719 and leads to a stop codon 23 codons downstream. This variant is expected to result in nonsense mediated decay, truncation, or a dysfunctional protein product. This variant is rare in the general population with a frequency below the threshold expected for the associated phenotype(s). Given the available evidence, this variant is classified as Likely Pathogenic.